The following is an entry in ClinVar:

NM_000057.4(BLM):c.538G>C (p.Val180Leu)

Gene: BLM (BLM RecQ like helicase; plus strand). Cytogenetic location: 15q26.1.
Variant type: single nucleotide variant.
Coding change: c.538G>C on transcript NM_000057.4 (MANE Select); coding-DNA position 538, G replaced by C.
Protein change: p.Val180Leu; replaces valine 180 with leucine.
Molecular consequence: missense variant. On other transcripts: 5 prime UTR variant (1).
Genome position (GRCh38, 1-based): chr15:90,749,806, G>C. VCF-style: chr15-90749806-G-C. GRCh37 (hg19) VCF-style: chr15-91293036-G-C.
Other names: c.-754G>C (NM_001287248.2); c.538G>C, p.Val180Leu (NM_001287246.2, NM_001287247.2); short protein forms V180L.
Identifiers: ClinVar variation 3691100 (VCV003691100.3).
Genomic context (GRCh38, chr15:90,749,806, plus strand): 5'-TTTGATACTTCTGAGACTTCAAAATCATTTGTTACACCACCCCAAAGTCACTTTGTAAGA[G>C]TAAGCACTGCTCAGAAATCAAAAAAGGGTAAGAGAAACTTTTTTAAAGCACAGCTTTATA-3'
Protein context (NP_000048.1, residues 170-190): VTPPQSHFVR[Val180Leu]STAQKSKKGK

ClinVar aggregate classification (germline): Uncertain significance. Review status: criteria provided, multiple submitters, no conflicts (2 of 4 stars). 2 submissions from 2 submitters: Uncertain significance (2). Last evaluated 2026-08-16.

Conditions:
Bloom syndrome (BLM). Also called: Bloom-Torre-Machacek syndrome. Identifiers: Orphanet 125, MedGen C0005859, MONDO:0008876, OMIM 210900.
Hereditary cancer-predisposing syndrome. Also called: Tumor predisposition; Hereditary neoplastic syndrome; Hereditary Cancer Syndrome; Neoplastic Syndromes, Hereditary. Identifiers: Orphanet 140162, MedGen C0027672, MeSH D009386, MONDO:0015356.

Submissions (2):

Ambry Genetics
Classification: Uncertain significance for Hereditary cancer-predisposing syndrome. Last evaluated: 2026-08-16. Review status: criteria provided, single submitter. Criteria: Ambry Variant Classification Scheme 2023. Collection method: clinical testing. Allele origin: germline.
Comment: The p.V180L variant (also known as c.538G>C), located in coding exon 2 of the BLM gene, results from a G to C substitution at nucleotide position 538. The valine at codon 180 is replaced by leucine, an amino acid with highly similar properties. This amino acid position is conserved. In addition, this alteration is predicted to be tolerated by in silico analysis. Based on the available evidence, the clinical significance of this variant remains unclear.

Labcorp Genetics (formerly Invitae), Labcorp
Classification: Uncertain significance for Bloom syndrome. Last evaluated: 2024-06-30. Review status: criteria provided, single submitter. Criteria: Invitae Variant Classification Sherloc (09022015). Collection method: clinical testing. Allele origin: germline.
Comment: This sequence change replaces valine, which is neutral and non-polar, with leucine, which is neutral and non-polar, at codon 180 of the BLM protein (p.Val180Leu). This variant is not present in population databases (gnomAD no frequency). This variant has not been reported in the literature in individuals affected with BLM-related conditions. Algorithms developed to predict the effect of missense changes on protein structure and function output the following: SIFT: "Not Available"; PolyPhen-2: "Benign"; Align-GVGD: "Not Available". The leucine amino acid residue is found in multiple mammalian species, which suggests that this missense change does not adversely affect protein function. In summary, the available evidence is currently insufficient to determine the role of this variant in disease. Therefore, it has been classified as a Variant of Uncertain Significance.